The following is an entry in ClinVar:

NM_003482.4(KMT2D):c.1438C>G (p.Pro480Ala)

Gene: KMT2D (lysine methyltransferase 2D; minus strand). Cytogenetic location: 12q13.12.
Variant type: single nucleotide variant.
Coding change: c.1438C>G on transcript NM_003482.4 (MANE Select); coding-DNA position 1438, C replaced by G.
Protein change: p.Pro480Ala; replaces proline 480 with alanine.
Molecular consequence: missense variant.
Genome position (GRCh38, 1-based): chr12:49,052,245, G>C on the plus strand (C>G on the coding strand, the complement: KMT2D is on the minus strand). VCF-style: chr12-49052245-G-C. GRCh37 (hg19) VCF-style: chr12-49446028-G-C.
Other names: short protein forms P480A.
Identifiers: ClinVar variation 2557481 (VCV002557481.6), dbSNP rs887518261, ClinGen allele CA236621186.
Genomic context (GRCh38, chr12:49,052,245, plus strand): 5'-CCTCAGGCGGCGGAGAGAGGGGCGATTCCTCCAGCGGCCGGGACAGGTGCAATGCCTCAG[G>C]AAGTGGGGATGCGGGCAATTCCTCAGGTGGTGGTGACAGGCGTGATGCCTCAGGTGGTGG-3'
Protein context (NP_003473.3, residues 470-490): PPEELPASPL[Pro480Ala]EALHLSRPLE

ClinVar aggregate classification (germline): Conflicting classifications of pathogenicity. Review status: criteria provided, conflicting classifications (1 of 4 stars). 3 submissions from 3 submitters: Uncertain significance (2); Likely benign (1). Last evaluated 2025-03-15.

Conditions:
Kabuki syndrome. Also called: NIIKAWA-KUROKI SYNDROME; Kabuki make-up syndrome. Identifiers: Orphanet 2322, MedGen C0796004, MONDO:0016512.
KMT2D-related disorder. Also called: KMT2D-Related Disorders.
Inborn genetic diseases. Identifiers: MedGen C0950123, MeSH D030342.

Allele frequency attached by ClinVar (database versions not stated): gnomAD 0.00003.
gnomAD v4.1: 4 of 1,612,092 alleles (0.00025%); highest among the groups gnomAD compares: African/African-American, 0.004%; no homozygotes.

Submissions (3):

PreventionGenetics, part of Exact Sciences
Classification: Uncertain significance for KMT2D-related condition. Last evaluated: 2025-03-15. Review status: criteria provided, single submitter. Criteria: ACMG Guidelines, 2015. Collection method: clinical testing. Allele origin: germline.
Comment: The KMT2D c.1438C>G variant is predicted to result in the amino acid substitution p.Pro480Ala. To our knowledge, this variant has not been reported in the literature. This variant is reported in 0.0065% of alleles in individuals of European (Non-Finnish) descent in gnomAD. At this time, the clinical significance of this variant is uncertain due to the absence of conclusive functional and genetic evidence.

Labcorp Genetics (formerly Invitae), Labcorp
Classification: Likely benign for Kabuki syndrome. Last evaluated: 2023-12-09. Review status: criteria provided, single submitter. Criteria: Invitae Variant Classification Sherloc (09022015). Collection method: clinical testing. Allele origin: germline.

Ambry Genetics
Classification: Uncertain significance for Inborn genetic diseases. Last evaluated: 2023-06-06. Review status: criteria provided, single submitter. Criteria: Ambry Variant Classification Scheme 2023. Collection method: clinical testing. Allele origin: germline.